The following is an entry in ClinVar:

NM_001065.4(TNFRSF1A):c.1191C>T (p.Arg397=)

Gene: TNFRSF1A (TNF receptor superfamily member 1A; minus strand). Cytogenetic location: 12p13.31.
Variant type: single nucleotide variant.
Coding change: c.1191C>T on transcript NM_001065.4 (MANE Select); coding-DNA position 1191, C replaced by T.
Protein change: p.Arg397=; no amino-acid change (arginine 397 retained).
Molecular consequence: synonymous variant. On other transcripts: non-coding transcript variant (1).
Genome position (GRCh38, 1-based): chr12:6,329,489, G>A on the plus strand (C>T on the coding strand, the complement: TNFRSF1A is on the minus strand). VCF-style: chr12-6329489-G-A. GRCh37 (hg19) VCF-style: chr12-6438655-G-A.
Other names: c.867C>T, p.Arg289= (NM_001346091.2); c.732C>T, p.Arg244= (NM_001346092.2).
Identifiers: ClinVar variation 3727174 (VCV003727174.10).

ClinVar aggregate classification (germline): Likely benign. Review status: criteria provided, multiple submitters, no conflicts (2 of 4 stars). 2 submissions from 2 submitters: Likely benign (2). Last evaluated 2025-08-01.

Conditions:
TNF receptor-associated periodic fever syndrome (TRAPS) (FPF). Also called: Autosomal Dominant Familial Periodic Fever; FAMILIAL HIBERNIAN FEVER; TNF RECEPTOR-ASSOCIATED PERIODIC SYNDROME; TUMOR NECROSIS FACTOR RECEPTOR-ASSOCIATED PERIODIC SYNDROME; TNF Receptor-Associated Periodic Fever Syndrome; TNF receptor 1-associated periodic fever syndrome. Identifiers: Orphanet 32960, MedGen C1275126, MONDO:0007727, OMIM 142680.

Submissions (2):

CeGaT Center for Human Genetics Tuebingen
Classification: Likely benign. Last evaluated: 2025-08-01. Review status: criteria provided, single submitter. Criteria: CeGaT Center For Human Genetics Tuebingen Variant Classification Criteria Version 2. Collection method: clinical testing. Allele origin: germline. Affected: yes. Observed: 1 variant allele.
Comment: TNFRSF1A: PM2:Supporting, BP4, BP7

Labcorp Genetics (formerly Invitae), Labcorp
Classification: Likely benign for TNF receptor-associated periodic fever syndrome (TRAPS). Last evaluated: 2025-01-17. Review status: criteria provided, single submitter. Criteria: Invitae Variant Classification Sherloc (09022015). Collection method: clinical testing. Allele origin: germline.